The following is an entry in ClinVar:

NM_000540.3(RYR1):c.14342T>C (p.Phe4781Ser)

Gene: RYR1 (ryanodine receptor 1; plus strand). Cytogenetic location: 19q13.2.
Variant type: single nucleotide variant.
Coding change: c.14342T>C on transcript NM_000540.3 (MANE Select); coding-DNA position 14342, T replaced by C.
Protein change: p.Phe4781Ser; replaces phenylalanine 4781 with serine.
Molecular consequence: missense variant.
Genome position (GRCh38, 1-based): chr19:38,578,182, T>C. VCF-style: chr19-38578182-T-C. GRCh37 (hg19) VCF-style: chr19-39068822-T-C.
Other names: c.14327T>C, p.Phe4776Ser (NM_001042723.2); short protein forms F4776S, F4781S.
Identifiers: ClinVar variation 1705016 (VCV001705016.2), dbSNP rs2514740340, ClinGen allele CA405685294.

ClinVar aggregate classification (germline): Uncertain significance (1 of 4 stars; one submission).

Submission:

GeneDx
Classification: Uncertain significance. Last evaluated: 2022-03-08. Review status: criteria provided, single submitter. Criteria: GeneDx Variant Classification Process June 2021. Collection method: clinical testing. Allele origin: germline. Affected: yes.
Comment: Not observed at significant frequency in large population cohorts (gnomAD); In silico analysis supports that this missense variant has a deleterious effect on protein structure/function; Has not been previously published as pathogenic or benign to our knowledge